The following is an entry in ClinVar:

NM_001146.5(ANGPT1):c.645G>T (p.Glu215Asp)

Gene: ANGPT1 (angiopoietin 1; minus strand). Cytogenetic location: 8q23.1.
Variant type: single nucleotide variant.
Coding change: c.645G>T on transcript NM_001146.5 (MANE Select); coding-DNA position 645, G replaced by T.
Protein change: p.Glu215Asp; replaces glutamic acid 215 with aspartic acid.
Molecular consequence: missense variant.
Genome position (GRCh38, 1-based): chr8:107,322,059, C>A on the plus strand (G>T on the coding strand, the complement: ANGPT1 is on the minus strand). VCF-style: chr8-107322059-C-A. GRCh37 (hg19) VCF-style: chr8-108334287-C-A.
Other names: c.645G>T, p.Glu215Asp (NM_001199859.3); c.45G>T, p.Glu15Asp (NM_001314051.2); short protein forms E215D, E15D.
Identifiers: ClinVar variation 2989759 (VCV002989759.3), dbSNP rs773362738, ClinGen allele CA183453871.
Genomic context (GRCh38, chr8:107,322,059, plus strand): 5'-CTTTTCCAGCTCCTGGATTATATATGTTTGACGAGTAACCAAGCCTTGAAGGTTCTCTTT[C>A]TCTTCCTTTAAGGTGTCCAACTCTTCCTTGTGTTTTCCTTCCATTTCTAAGATTTTATGT-3'
Protein context (NP_001137.2, residues 205-225): HKEELDTLKE[Glu215Asp]KENLQGLVTR

ClinVar aggregate classification (germline): Uncertain significance (1 of 4 stars; one submission).

Allele frequency attached by ClinVar (database versions not stated): gnomAD exomes 0.00002; TOPMed below 0.00001; gnomAD 0.00001.
gnomAD v4.1: 37 of 1,613,856 alleles (0.0023%); highest among the groups gnomAD compares: Non-Finnish European, 0.0031%; no homozygotes.

Submission:

Labcorp Genetics (formerly Invitae), Labcorp
Classification: Uncertain significance. Last evaluated: 2025-07-30. Review status: criteria provided, single submitter. Criteria: Invitae Variant Classification Sherloc (09022015). Collection method: clinical testing. Allele origin: germline.
Comment: This sequence change replaces glutamic acid, which is acidic and polar, with aspartic acid, which is acidic and polar, at codon 215 of the ANGPT1 protein (p.Glu215Asp). The frequency data for this variant in the population databases is considered unreliable, as metrics indicate poor data quality at this position in the gnomAD database. This variant has not been reported in the literature in individuals affected with ANGPT1-related conditions. ClinVar contains an entry for this variant (Variation ID: 2989759). An algorithm developed to predict the effect of missense changes on protein structure and function (PolyPhen-2) suggests that this variant is likely to be disruptive. In summary, the available evidence is currently insufficient to determine the role of this variant in disease. Therefore, it has been classified as a Variant of Uncertain Significance.